The following is an entry in ClinVar:

ClinVar aggregate classification (germline): Uncertain significance. Review status: criteria provided, multiple submitters, no conflicts (2 of 4 stars). 8 submissions from 8 submitters: Uncertain significance (8). Last evaluated 2026-03-02.

Conditions:
Inborn genetic diseases. Identifiers: MedGen C0950123, MeSH D030342.
Ullrich congenital muscular dystrophy 2 (UCMD2). Identifiers: Orphanet 75840, MedGen C4225314, MONDO:0014654, OMIM 616470.
Bethlem myopathy 2 (BTHLM2). Identifiers: Orphanet 536516, Orphanet 610, MedGen C4225313, MONDO:0034022, OMIM 616471.

Allele frequency attached by ClinVar (database versions not stated): gnomAD exomes 0.00012; TOPMed 0.00012; ExAC 0.00013; gnomAD 0.00015 and 0.00016; 1000 Genomes Project 30x 0.00016; ESP Exome Variant Server 0.00017; 1000 Genomes Project 0.00020.
gnomAD v4.1: 398 of 1,613,680 alleles (0.025%); highest among the groups gnomAD compares: Non-Finnish European, 0.032%; no homozygotes.

Submissions (8):

Women's Health and Genetics/Laboratory Corporation of America, LabCorp
Classification: Uncertain significance. Last evaluated: 2026-03-02. Review status: criteria provided, single submitter. Criteria: LabCorp Variant Classification Summary - May 2015. Collection method: clinical testing. Allele origin: germline.
Comment: Variant summary: COL12A1 c.5308A>G (p.Thr1770Ala) results in a non-conservative amino acid change in the encoded protein sequence. Algorithms developed to predict the effect of missense changes on protein structure and function are either unavailable or do not agree on the potential impact of this missense change. The variant allele was found at a frequency of 0.00012 in 249254 control chromosomes. This frequency is not significantly higher than estimated for disease-causing variants in COL12A1, allowing no conclusion about variant significance. To our knowledge, no occurrence of c.5308A>G in individuals affected with COL12A1-related conditions and no experimental evidence demonstrating its impact on protein function have been reported. ClinVar contains an entry for this variant (Variation ID: 567112). Based on the evidence outlined above, the variant was classified as uncertain significance.

Labcorp Genetics (formerly Invitae), Labcorp
Classification: Uncertain significance for Bethlem myopathy 2; Ullrich congenital muscular dystrophy 2. Last evaluated: 2025-12-16. Review status: criteria provided, single submitter. Criteria: Invitae Variant Classification Sherloc (09022015). Collection method: clinical testing. Allele origin: germline.
Comment: This sequence change replaces threonine, which is neutral and polar, with alanine, which is neutral and non-polar, at codon 1770 of the COL12A1 protein (p.Thr1770Ala). This variant is present in population databases (rs192345009, gnomAD 0.02%). This variant has not been reported in the literature in individuals affected with COL12A1-related conditions. ClinVar contains an entry for this variant (Variation ID: 567112). Invitae Evidence Modeling of protein sequence and biophysical properties (such as structural, functional, and spatial information, amino acid conservation, physicochemical variation, residue mobility, and thermodynamic stability) indicates that this missense variant is not expected to disrupt COL12A1 protein function with a negative predictive value of 80%. In summary, the available evidence is currently insufficient to determine the role of this variant in disease. Therefore, it has been classified as a Variant of Uncertain Significance.

Mayo Clinic Laboratories, Mayo Clinic
Classification: Uncertain significance. Last evaluated: 2025-02-19. Review status: criteria provided, single submitter. Criteria: ACMG Guidelines, 2015. Collection method: clinical testing. Allele origin: germline. Observed: 6 variant alleles.
Comment: BP4_moderate

Blueprint Genetics
Classification: Uncertain significance. Last evaluated: 2024-07-24. Review status: criteria provided, single submitter. Criteria: ACMG Guidelines, 2015. Collection method: clinical testing. Allele origin: germline.

Ambry Genetics
Classification: Uncertain significance for Inborn genetic diseases. Last evaluated: 2024-07-17. Review status: criteria provided, single submitter. Criteria: Ambry Variant Classification Scheme 2023. Collection method: clinical testing. Allele origin: germline.

GeneDx
Classification: Uncertain significance. Last evaluated: 2024-05-28. Review status: criteria provided, single submitter. Criteria: GeneDx Variant Classification Process June 2021. Collection method: clinical testing. Allele origin: germline. Affected: yes.
Comment: Has not been previously published as pathogenic or benign to our knowledge; In silico analysis indicates that this missense variant does not alter protein structure/function

Revvity Omics, Revvity
Classification: Uncertain significance. Last evaluated: 2024-03-05. Review status: criteria provided, single submitter. Criteria: ACMG Guidelines, 2015. Collection method: clinical testing. Allele origin: germline.

CeGaT Center for Human Genetics Tuebingen
Classification: Uncertain significance. Last evaluated: 2022-12-01. Review status: criteria provided, single submitter. Criteria: CeGaT Center For Human Genetics Tuebingen Variant Classification Criteria Version 2. Collection method: clinical testing. Allele origin: germline. Affected: yes. Observed: 1 variant allele.

NM_004370.6(COL12A1):c.5308A>G (p.Thr1770Ala)

Gene: COL12A1 (collagen type XII alpha 1 chain; minus strand). Cytogenetic location: 6q13.
Variant type: single nucleotide variant.
Coding change: c.5308A>G on transcript NM_004370.6 (MANE Select); coding-DNA position 5308, A replaced by G.
Protein change: p.Thr1770Ala; replaces threonine 1770 with alanine.
Molecular consequence: missense variant.
Genome position (GRCh38, 1-based): chr6:75,137,523, T>C on the plus strand (A>G on the coding strand, the complement: COL12A1 is on the minus strand). VCF-style: chr6-75137523-T-C. GRCh37 (hg19) VCF-style: chr6-75847239-T-C.
Other names: p.Thr1770Ala; c.1816A>G, p.Thr606Ala (NM_080645.3); short protein forms T1770A, T606A.
Identifiers: ClinVar variation 567112 (VCV000567112.42), dbSNP rs192345009, ClinGen allele CA3893166.
Genomic context (GRCh38, chr6:75,137,523, plus strand): 5'-AAGGCTGATAAGTGATCCTATATTTCTGCACACGACCACTAGCAGGATCCCACTTAACAG[T>C]CAGGCTGTTAGATGTTGCATTGTACACTTGAAGGTTTCGTGGGCCACTTTTGGGAGCTGA-3'
Protein context (NP_004361.3, residues 1760-1780): QVYNATSNSL[Thr1770Ala]VKWDPASGRV